The following is an entry in ClinVar:

ClinVar aggregate classification (germline): Likely benign. Review status: criteria provided, multiple submitters, no conflicts (2 of 4 stars). 3 submissions from 3 submitters: Likely benign (3). Last evaluated 2025-06-22.

Conditions:
LRP4-related disorder. Also called: LRP4-related condition.
Sclerosteosis 2 (SOST2). Identifiers: Orphanet 3152, MedGen C3280402, MONDO:0013679, OMIM 614305.
Congenital myasthenic syndrome 17. Identifiers: Orphanet 590, MedGen C4225377, MONDO:0014578, OMIM 616304.
Cenani-Lenz syndactyly syndrome. Also called: CENANI SYNDACTYLISM; SYNDACTYLY, TYPE VII. Identifiers: Orphanet 3258, MedGen C1859309, MONDO:0008931, OMIM 212780.

Allele frequency attached by ClinVar (database versions not stated): ExAC 0.00003; gnomAD 0.00003; ESP Exome Variant Server 0.00008.
gnomAD v4.1: 37 of 1,613,902 alleles (0.0023%); highest among the groups gnomAD compares: Non-Finnish European, 0.0027%; no homozygotes.

Submissions (3):

Labcorp Genetics (formerly Invitae), Labcorp
Classification: Likely benign for Cenani-Lenz syndactyly syndrome; Sclerosteosis 2; Congenital myasthenic syndrome 17. Last evaluated: 2025-06-22. Review status: criteria provided, single submitter. Criteria: Invitae Variant Classification Sherloc (09022015). Collection method: clinical testing. Allele origin: germline.

PreventionGenetics, part of Exact Sciences
Classification: Likely benign for LRP4-related condition. Last evaluated: 2025-05-09. Review status: criteria provided, single submitter. Criteria: ACMG Guidelines, 2015. Collection method: clinical testing. Allele origin: germline.
Comment: This variant is classified as likely benign based on ACMG/AMP sequence variant interpretation guidelines (Richards et al. 2015 PMID: 25741868, with internal and published modifications).

CeGaT Center for Human Genetics Tuebingen
Classification: Likely benign. Last evaluated: 2024-03-01. Review status: criteria provided, single submitter. Criteria: CeGaT Center For Human Genetics Tuebingen Variant Classification Criteria Version 2. Collection method: clinical testing. Allele origin: germline. Affected: yes. Observed: 1 variant allele.
Comment: LRP4: BP4, BP7

NM_002334.4(LRP4):c.3696C>T (p.Thr1232=)

Gene: LRP4 (LDL receptor related protein 4; minus strand). Cytogenetic location: 11p11.2.
Variant type: single nucleotide variant.
Coding change: c.3696C>T on transcript NM_002334.4 (MANE Select); coding-DNA position 3696, C replaced by T.
Protein change: p.Thr1232=; no amino-acid change (threonine 1232 retained).
Molecular consequence: synonymous variant.
Genome position (GRCh38, 1-based): chr11:46,875,807, G>A on the plus strand (C>T on the coding strand, the complement: LRP4 is on the minus strand). VCF-style: chr11-46875807-G-A. GRCh37 (hg19) VCF-style: chr11-46897358-G-A.
Other names: c.3696C>T (NM_002334.3).
Identifiers: ClinVar variation 1900114 (VCV001900114.27), dbSNP rs371951987, ClinGen allele CA5969523.